The following is an entry in ClinVar:

NM_032119.4(ADGRV1):c.5607G>C (p.Glu1869Asp)

Gene: ADGRV1 (adhesion G protein-coupled receptor V1; plus strand). Cytogenetic location: 5q14.3.
Variant type: single nucleotide variant.
Coding change: c.5607G>C on transcript NM_032119.4 (MANE Select); coding-DNA position 5607, G replaced by C.
Protein change: p.Glu1869Asp; replaces glutamic acid 1869 with aspartic acid.
Molecular consequence: missense variant. On other transcripts: non-coding transcript variant (1).
Genome position (GRCh38, 1-based): chr5:90,681,397, G>C. VCF-style: chr5-90681397-G-C. GRCh37 (hg19) VCF-style: chr5-89977214-G-C.
Other names: short protein forms E1869D.
Identifiers: ClinVar variation 851084 (VCV000851084.9), dbSNP rs1744912462, ClinGen allele CA360412408.

ClinVar aggregate classification (germline): Uncertain significance (1 of 4 stars; one submission).

Submission:

Labcorp Genetics (formerly Invitae), Labcorp
Classification: Uncertain significance. Last evaluated: 2019-11-27. Review status: criteria provided, single submitter. Criteria: Invitae Variant Classification Sherloc (09022015). Collection method: clinical testing. Allele origin: germline.
Comment: This sequence change replaces glutamic acid with aspartic acid at codon 1869 of the ADGRV1 protein (p.Glu1869Asp). The glutamic acid residue is moderately conserved and there is a small physicochemical difference between glutamic acid and aspartic acid. This variant is not present in population databases (ExAC no frequency). This variant has not been reported in the literature in individuals with ADGRV1-related conditions. Algorithms developed to predict the effect of missense changes on protein structure and function are either unavailable or do not agree on the potential impact of this missense change (SIFT: "Tolerated"; PolyPhen-2: "Possibly Damaging"; Align-GVGD: "Class C0"). In summary, the available evidence is currently insufficient to determine the role of this variant in disease. Therefore, it has been classified as a Variant of Uncertain Significance.